The following is an entry in ClinVar:

ClinVar aggregate classification (germline): Uncertain significance (1 of 4 stars; one submission).

Submission:

Labcorp Genetics (formerly Invitae), Labcorp
Classification: Uncertain significance. Last evaluated: 2022-08-16. Review status: criteria provided, single submitter. Criteria: Invitae Variant Classification Sherloc (09022015). Collection method: clinical testing. Allele origin: germline.
Comment: In summary, the available evidence is currently insufficient to determine the role of this variant in disease. Therefore, it has been classified as a Variant of Uncertain Significance. This variant has not been reported in the literature in individuals affected with ARHGEF10-related conditions. This variant results in a copy number gain of the genomic region encompassing exon(s) 13-18 of the ARHGEF10 gene. While the exact position of this variant cannot be determined from the data, sub-genic copy number gains are generally in tandem (PMID: 25640679). This variant is predicted to be out-of-frame, and may result in an absent or disrupted protein product. However, the current clinical and genetic evidence is not sufficient to establish whether loss-of-function variants in ARHGEF10 cause disease.

Literature cited by the submitters: PubMed 25640679.

NC_000008.10:g.(?_1842539)_(1857656_?)dup

Gene: ARHGEF10 (Rho guanine nucleotide exchange factor 10; plus strand). Cytogenetic location: 8p23.3.
Variant type: Duplication.
Identifiers: ClinVar variation 1468544 (VCV001468544.6).